The following continues an entry in ClinVar:

NM_000179.3(MSH6):c.4004A>C (p.Glu1335Ala)

Gene: MSH6. ClinVar aggregate classification (germline): Conflicting classifications of pathogenicity. Uncertain significance (8); Likely benign (6).

Submissions 11 to 16 of 16:

Sema4
Classification: Uncertain significance for Hereditary cancer-predisposing syndrome. Last evaluated: 2021-11-03. Review status: criteria provided, single submitter. Criteria: Sema4 Curation Guidelines. Collection method: curation. Allele origin: germline.
Comment: The MSH6 c.4004A>C (p.E1335A) variant has been reported in several individuals with colorectal, brain, or breast cancer (PMID: 23523604, 24073290, 28528518, 30306255, 32547938). It was also reported in 2/60466 breast cancer cases and 4/53461 healthy controls by a large case-control study (PMID: 33471991). This variant was observed in 9/28634 chromosomes in the South Asian population according to the Genome Aggregation Database (PMID: 32461654). The variant has been reported in ClinVar (Variation ID: 141327). Functional studies have not been performed, and in silico predictions of the variant's effect on protein function are inconclusive. The evidence is insufficient to meet ACMG/AMP criteria for classifying the variant as benign or pathogenic. Thus, the clinical significance of this variant is currently uncertain.

GeneDx
Classification: Likely benign. Last evaluated: 2019-12-18. Review status: criteria provided, single submitter. Criteria: GeneDx Variant Classification Process June 2021. Collection method: clinical testing. Allele origin: germline. Affected: yes.
Comment: This variant is associated with the following publications: (PMID: 23523604, 28528518, 24073290)

Mendelics
Classification: Uncertain significance for Lynch syndrome 5. Last evaluated: 2019-05-28. Review status: criteria provided, single submitter. Criteria: Mendelics Assertion Criteria 2017. Collection method: clinical testing. Allele origin: unknown.

Eurofins Ntd Llc (ga)
Classification: Uncertain significance. Last evaluated: 2016-02-04. Review status: criteria provided, single submitter. Criteria: EGL Classification Definitions 2015. Collection method: clinical testing. Allele origin: germline. Observed: 1 variant allele, 1 heterozygote.

Counsyl
Classification: Uncertain significance for Lynch syndrome 5. Last evaluated: 2016-08-25. Review status: no assertion criteria provided. Collection method: clinical testing. Allele origin: unknown. Not counted in ClinVar's aggregate classification.

Department of Pathology and Laboratory Medicine, Sinai Health System
Classification: Uncertain significance. Review status: no assertion criteria provided. Collection method: clinical testing. Allele origin: unknown. Affected: yes. Study: The Canadian Open Genetics Repository (COGR). Not counted in ClinVar's aggregate classification.
Comment: The MSH6 p.Glu1335Ala variant was identified in 3 of 680 proband chromosomes (frequency: 0.004) from individuals or families with Lynch syndrome, astrocytoma, and breast or ovarian cancer and was not identified in 694 control chromosomes from healthy individuals (Perez-Cabornero 2013, Rodriguez-Hernandez 2013, Cock-Rada 2018). The variant was also identified in dbSNP (ID: rs564434147 as "With Uncertain significance allele"), ClinVar (6x as uncertain significance by Ambry Genetics, Invitae, Counsyl, GeneDx, Color Genomics, and EGL Genetic), and UMD-LSDB (1x as unclassified variant). The variant was not identified in the COGR, Cosmic, MutDB, Zhejiang University Database, Mismatch Repair Genes Variant Database, or Insight Hereditary Tumors databases. The variant was identified in control databases in 18 of 237668 chromosomes at a frequency of 0.00008 (Genome Aggregation Database Feb 27, 2017). The variant was observed in the following populations: Latino in 7 of 32242 chromosomes (freq: 0.0002), European Non-Finnish in 2 of 108812 chromosomes (freq: 0.00008), and South Asian in 9 of 28764 chromosomes (freq: 0.0003); it was not observed in the African, Other, Ashkenazi Jewish, East Asian, or Finnish populations. The p.Glu1335 residue is conserved in mammals and computational analyses (PolyPhen-2, SIFT, AlignGVGD, BLOSUM, MutationTaster) provide inconsistent predictions regarding the impact to the protein; this information is not very predictive of pathogenicity. The variant occurs outside of the splicing consensus sequence and in silico or computational prediction software programs (SpliceSiteFinder, MaxEntScan, NNSPLICE, GeneSplicer, HumanSpliceFinder) do not predict a difference in splicing. In summary, based on the above information the clinical significance of this variant cannot be determined with certainty at this time. This variant is classified as a variant of uncertain significance.

Literature cited by the submitters: PubMed 35451682 (cited by Quest Diagnostics Nichols Institute San Juan Capistrano); PubMed 23523604 (cited by 4 submitters); PubMed 35534704 (cited by Quest Diagnostics Nichols Institute San Juan Capistrano); PubMed 24073290 (cited by 4 submitters); PubMed 32547938 (cited by 3 submitters); PubMed 28528518 (cited by 3 submitters); PubMed 31391288 (cited by Quest Diagnostics Nichols Institute San Juan Capistrano and Women's Health and Genetics/Laboratory Corporation of America, LabCorp); PubMed 27363726 (cited by Myriad Genetics, Inc.); PubMed 30306255 (cited by Women's Health and Genetics/Laboratory Corporation of America, LabCorp and Sema4); PubMed 33471991 (cited by Sema4).